The following is an entry in ClinVar:

NM_000718.4(CACNA1B):c.2442C>G (p.Asp814Glu)

Gene: CACNA1B (calcium voltage-gated channel subunit alpha1 B; plus strand). Cytogenetic location: 9q34.3.
Variant type: single nucleotide variant.
Coding change: c.2442C>G on transcript NM_000718.4 (MANE Select); coding-DNA position 2442, C replaced by G.
Protein change: p.Asp814Glu; replaces aspartic acid 814 with glutamic acid.
Molecular consequence: missense variant.
Genome position (GRCh38, 1-based): chr9:138,023,185, C>G. VCF-style: chr9-138023185-C-G. GRCh37 (hg19) VCF-style: chr9-140917637-C-G.
Other names: c.2442C>G, p.Asp814Glu (NM_001243812.2); short protein forms D814E.
Identifiers: ClinVar variation 3342483 (VCV003342483.1).

ClinVar aggregate classification (germline): Uncertain significance (1 of 4 stars; one submission).

Submission:

GeneDx
Classification: Uncertain significance. Last evaluated: 2022-04-06. Review status: criteria provided, single submitter. Criteria: GeneDx Variant Classification Process June 2021. Collection method: clinical testing. Allele origin: germline. Affected: yes.
Comment: Not observed at significant frequency in large population cohorts (gnomAD); In silico analysis supports that this missense variant has a deleterious effect on protein structure/function; Has not been previously published as pathogenic or benign to our knowledge; Variants in candidate genes are classified as variants of uncertain significance in accordance with ACMG guidelines (Richards et al., 2015)